The following is an entry in ClinVar:

ClinVar aggregate classification (germline): Likely pathogenic (1 of 4 stars; one submission).

Submission:

GeneDx
Classification: Likely pathogenic. Last evaluated: 2016-03-04. Review status: criteria provided, single submitter. Criteria: GeneDx Variant Classification (06012015). Collection method: clinical testing. Allele origin: germline. Affected: yes.
Comment: The G141D variant in the EFTUD2 gene has not been reported previously as a pathogenic variant, nor as a benign variant, to our knowledge. This variant was not observed in approximately 6500 individuals of European and African American ancestry in the NHLBI Exome Sequencing Project, indicating it is not a common benign variant in these populations. The G141D variant is a non-conservative amino acid substitution, which is likely to impact secondary protein structure as these residues differ in polarity, charge, size and/or other properties. This substitution occurs at a position that is conserved across species, and in silico analysis predicts this variant is probably damaging to the protein structure/function. The G141D variant is a strong candidate for a pathogenic variant.

NM_004247.4(EFTUD2):c.422G>A (p.Gly141Asp)

Gene: EFTUD2 (elongation factor Tu GTP binding domain containing 2; minus strand). Cytogenetic location: 17q21.31.
Variant type: single nucleotide variant.
Coding change: c.422G>A on transcript NM_004247.4 (MANE Select); coding-DNA position 422, G replaced by A.
Protein change: p.Gly141Asp; replaces glycine 141 with aspartic acid.
Molecular consequence: missense variant.
Genome position (GRCh38, 1-based): chr17:44,883,653, C>T on the plus strand (G>A on the coding strand, the complement: EFTUD2 is on the minus strand). VCF-style: chr17-44883653-C-T. GRCh37 (hg19) VCF-style: chr17-42961021-C-T.
Other names: c.317G>A, p.Gly106Asp (NM_001142605.2); c.422G>A, p.Gly141Asp (NM_001258353.2, NM_001258354.2); short protein forms G141D, G106D.
Identifiers: ClinVar variation 384588 (VCV000384588.2), dbSNP rs1057522002, ClinGen allele CA16607685.